The following is an entry in ClinVar:

NM_002203.4(ITGA2):c.849C>T (p.Asp283=)

Gene: ITGA2 (integrin subunit alpha 2; plus strand). Cytogenetic location: 5q11.2.
Variant type: single nucleotide variant.
Coding change: c.849C>T on transcript NM_002203.4 (MANE Select); coding-DNA position 849, C replaced by T.
Protein change: p.Asp283=; no amino-acid change (aspartic acid 283 retained).
Molecular consequence: synonymous variant. On other transcripts: non-coding transcript variant (5).
Genome position (GRCh38, 1-based): chr5:53,055,607, C>T. VCF-style: chr5-53055607-C-T. GRCh37 (hg19) VCF-style: chr5-52351437-C-T.
Identifiers: ClinVar variation 353745 (VCV000353745.7), dbSNP rs3212521, ClinGen allele CA3262727.

ClinVar aggregate classification (germline): Benign/Likely benign. Review status: criteria provided, multiple submitters, no conflicts (2 of 4 stars). 3 submissions from 3 submitters: Benign (2); Likely benign (1). Last evaluated 2024-11-26.

Conditions:
Platelet-type bleeding disorder 9 (BDPLT9). Also called: GLYCOPROTEIN Ia DEFICIENCY; GP Ia DEFICIENCY; COLLAGEN PLATELET RECEPTOR DEFICIENCY. Identifiers: Orphanet 73271, Orphanet 98886, MedGen C3280114, MONDO:0013622, OMIM 614200.

Allele frequency attached by ClinVar (database versions not stated): gnomAD exomes 0.01372; ExAC 0.01729; gnomAD 0.05377 and 0.05788; 1000 Genomes Project 0.05411; TOPMed 0.06008; 1000 Genomes Project 30x 0.06059; ESP Exome Variant Server 0.06297.
gnomAD v4.1: 15,907 of 1,613,024 alleles (0.99%); highest among the groups gnomAD compares: African/African-American, 19%; 1,419 homozygotes.

Submissions (3):

Blueprint Genetics
Classification: Likely benign. Last evaluated: 2024-11-26. Review status: criteria provided, single submitter. Criteria: ACMG Guidelines, 2015. Collection method: clinical testing. Allele origin: germline.

Illumina Laboratory Services, Illumina
Classification: Benign for Platelet-type bleeding disorder 9. Last evaluated: 2018-01-13. Review status: criteria provided, single submitter. Criteria: ICSL Variant Classification Criteria 13 December 2019. Collection method: clinical testing. Allele origin: germline.
Comment: This variant was observed in the ICSL laboratory as part of a predisposition screen in an ostensibly healthy population. It had not been previously curated by ICSL or reported in the Human Gene Mutation Database (HGMD: prior to June 1st, 2018), and was therefore a candidate for classification through an automated scoring system. Utilizing variant allele frequency, disease prevalence and penetrance estimates, and inheritance mode, an automated score was calculated to assess if this variant is too frequent to cause the disease. Based on the score and internal cut-off values, a variant classified as benign is not then subjected to further curation. The score for this variant resulted in a classification of benign for this disease.

Breakthrough Genomics
Classification: Benign. Review status: criteria provided, single submitter. Criteria: ACMG Guidelines, 2015. Collection method: not provided. Allele origin: germline. Inheritance: Unknown mechanism. Affected: yes.